The following is an entry in ClinVar:

ClinVar aggregate classification (germline): Pathogenic (1 of 4 stars; one submission).

Submission:

Labcorp Genetics (formerly Invitae), Labcorp
Classification: Pathogenic. Last evaluated: 2023-09-21. Review status: criteria provided, single submitter. Criteria: Invitae Variant Classification Sherloc (09022015). Collection method: clinical testing. Allele origin: germline.
Comment: This sequence change creates a premature translational stop signal (p.Ile84Tyrfs*18) in the TSHB gene. While this is not anticipated to result in nonsense mediated decay, it is expected to disrupt the last 55 amino acid(s) of the TSHB protein. For these reasons, this variant has been classified as Pathogenic. This variant disrupts a region of the TSHB protein in which other variant(s) (p.Cys125Valfs*10) have been determined to be pathogenic (PMID: 8636437, 15297803, 22606512, 27362444, 31166470). This suggests that this is a clinically significant region of the protein, and that variants that disrupt it are likely to be disease-causing. This variant has not been reported in the literature in individuals affected with TSHB-related conditions. This variant is not present in population databases (gnomAD no frequency).

Literature cited by the submitters: PubMed 8636437; PubMed 15297803; PubMed 22606512; PubMed 27362444; PubMed 31166470.

NM_000549.5(TSHB):c.250del (p.Ile84fs)

Gene: TSHB (thyroid stimulating hormone subunit beta; plus strand). Cytogenetic location: 1p13.2.
Variant type: Deletion.
Coding change: c.250del on transcript NM_000549.5 (MANE Select); coding-DNA position 250, one base deleted (A; older notation c.250delA).
Protein change: p.Ile84fs; shifts the reading frame from isoleucine 84.
Molecular consequence: frameshift variant.
Genome position (GRCh38, 1-based): chr1:115,034,060, A deleted; the last of 3 consecutive A bases (chr1:115,034,058-115,034,060); deleting any one gives the same sequence. VCF-style (leftmost placement, unchanged base first): chr1-115034057-GA-G. GRCh37 (hg19) VCF-style: chr1-115576678-GA-G.
Other names: c.115del, p.Ile39fs (NM_001277991.1); short protein forms I39fs, I84fs.
Identifiers: ClinVar variation 2840951 (VCV002840951.3), dbSNP rs2526216886, ClinGen allele CA2739275198.